The following is an entry in ClinVar:

ClinVar aggregate classification (germline): Benign/Likely benign. Review status: criteria provided, multiple submitters, no conflicts (2 of 4 stars). 6 submissions from 6 submitters: Benign (1); Likely benign (5). Last evaluated 2025-12-01.

Conditions:
Costello syndrome (CSTLO). Also called: HRAS-Related Costello Syndrome; FCS SYNDROME; FACIOCUTANEOSKELETAL SYNDROME. Identifiers: Orphanet 3071, MedGen C0587248, MONDO:0009026, OMIM 218040.
Cardiovascular phenotype. Identifiers: MedGen CN230736.

Allele frequency attached by ClinVar (database versions not stated): gnomAD 0.00003; gnomAD exomes 0.00004; TOPMed 0.00004; ESP Exome Variant Server 0.00008; 1000 Genomes Project 30x 0.00016; 1000 Genomes Project 0.00020; ExAC 0.00003.
gnomAD v4.1: 62 of 1,613,616 alleles (0.0038%); highest among the groups gnomAD compares: Middle Eastern, 0.016%; no homozygotes.

Submissions (6):

Labcorp Genetics (formerly Invitae), Labcorp
Classification: Likely benign for Costello syndrome. Last evaluated: 2025-12-01. Review status: criteria provided, single submitter. Criteria: Invitae Variant Classification Sherloc (09022015). Collection method: clinical testing. Allele origin: germline.

CeGaT Center for Human Genetics Tuebingen
Classification: Likely benign. Last evaluated: 2025-02-01. Review status: criteria provided, single submitter. Criteria: CeGaT Center For Human Genetics Tuebingen Variant Classification Criteria Version 2. Collection method: clinical testing. Allele origin: germline. Affected: yes. Observed: 2 variant alleles.
Comment: HRAS: BP4, BP7

Blueprint Genetics
Classification: Likely benign. Last evaluated: 2024-11-27. Review status: criteria provided, single submitter. Criteria: ACMG Guidelines, 2015. Collection method: clinical testing. Allele origin: germline.

Ambry Genetics
Classification: Likely benign for Cardiovascular phenotype. Last evaluated: 2022-04-19. Review status: criteria provided, single submitter. Criteria: Ambry Variant Classification Scheme 2023. Collection method: clinical testing. Allele origin: germline.

Women's Health and Genetics/Laboratory Corporation of America, LabCorp
Classification: Benign. Last evaluated: 2020-04-26. Review status: criteria provided, single submitter. Criteria: LabCorp Variant Classification Summary - May 2015. Collection method: clinical testing. Allele origin: germline.

GeneDx
Classification: Likely benign. Last evaluated: 2020-01-30. Review status: criteria provided, single submitter. Criteria: GeneDx Variant Classification Process June 2021. Collection method: clinical testing. Allele origin: germline. Affected: yes.

NM_005343.4(HRAS):c.54G>A (p.Ala18=)

Genes: HRAS (HRas proto-oncogene, GTPase; minus strand), LRRC56 (leucine rich repeat containing 56; plus strand). Cytogenetic location: 11p15.5.
Variant type: single nucleotide variant.
Coding change: c.54G>A on transcript NM_005343.4 (MANE Select); coding-DNA position 54, G replaced by A.
Protein change: p.Ala18=; no amino-acid change (alanine 18 retained).
Molecular consequence: synonymous variant. On other transcripts: 5 prime UTR variant (1).
Genome position (GRCh38, 1-based): chr11:534,269, C>T on the plus strand (G>A on the coding strand, the complement: HRAS is on the minus strand). VCF-style: chr11-534269-C-T. GRCh37 (hg19) VCF-style: chr11-534269-C-T.
Other names: c.54G>A, p.Ala18= (NM_001130442.3, NM_176795.5); c.-266G>A (NM_001318054.2).
Identifiers: ClinVar variation 380392 (VCV000380392.41), dbSNP rs148380285, ClinGen allele CA5779434.
Genomic context (GRCh38, chr11:534,269, plus strand): 5'-CACCTCTATAGTGGGGTCGTATTCGTCCACAAAATGGTTCTGGATCAGCTGGATGGTCAG[C>T]GCACTCTTGCCCACACCGCCGGCGCCCACCACCACCAGCTTATATTCCGTCATCGCTCCT-3'
Protein context (NP_005334.1, residues 8-28): VVGAGGVGKS[Ala18=]LTIQLIQNHF